The following is an entry in ClinVar:

ClinVar aggregate classification (germline): Uncertain significance (1 of 4 stars; one submission).

Conditions:
Cardiovascular phenotype. Identifiers: MedGen CN230736.

Submission:

Ambry Genetics
Classification: Uncertain significance for Cardiovascular phenotype. Last evaluated: 2025-12-10. Review status: criteria provided, single submitter. Criteria: Ambry Variant Classification Scheme 2023. Collection method: clinical testing. Allele origin: germline.
Comment: The p.N92S variant (also known as c.275A>G), located in coding exon 3 of the FKTN gene, results from an A to G substitution at nucleotide position 275. The asparagine at codon 92 is replaced by serine, an amino acid with highly similar properties. This amino acid position is conserved. In addition, this alteration is predicted to be tolerated by in silico analysis. Based on the available evidence, the clinical significance of this variant remains unclear.

NM_001079802.2(FKTN):c.275A>G (p.Asn92Ser)

Gene: FKTN (fukutin; plus strand). Cytogenetic location: 9q31.2.
Variant type: single nucleotide variant.
Coding change: c.275A>G on transcript NM_001079802.2 (MANE Select); coding-DNA position 275, A replaced by G.
Protein change: p.Asn92Ser; replaces asparagine 92 with serine.
Molecular consequence: missense variant. On other transcripts: 5 prime UTR variant (4), non-coding transcript variant (2).
Genome position (GRCh38, 1-based): chr9:105,601,254, A>G. VCF-style: chr9-105601254-A-G. GRCh37 (hg19) VCF-style: chr9-108363535-A-G.
Other names: c.275A>G, p.Asn92Ser (NM_001198963.2, NM_001351496.2, NM_001351498.2 and 1 more transcripts); c.206A>G, p.Asn69Ser (NM_001351497.2); c.-240A>G (NM_001351499.2, NM_001351500.2, NM_001351501.2 and 1 more transcripts); short protein forms N69S, N92S.
Identifiers: ClinVar variation 4614180 (VCV004614180.1).